The following is an entry in ClinVar:

NM_001378964.1(CDON):c.2432G>A (p.Arg811His)

Gene: CDON (cell adhesion associated, oncogene regulated; minus strand). Cytogenetic location: 11q24.2.
Variant type: single nucleotide variant.
Coding change: c.2432G>A on transcript NM_001378964.1 (MANE Select); coding-DNA position 2432, G replaced by A.
Protein change: p.Arg811His; replaces arginine 811 with histidine.
Molecular consequence: missense variant.
Genome position (GRCh38, 1-based): chr11:125,994,983, C>T on the plus strand (G>A on the coding strand, the complement: CDON is on the minus strand). VCF-style: chr11-125994983-C-T. GRCh37 (hg19) VCF-style: chr11-125864878-C-T.
Other names: c.2432G>A, p.Arg811His (NM_001243597.3, NM_016952.6); short protein forms R811H.
Identifiers: ClinVar variation 715194 (VCV000715194.12), dbSNP rs200008378, ClinGen allele CA6351724.

ClinVar aggregate classification (germline): Likely benign. Review status: criteria provided, multiple submitters, no conflicts (2 of 4 stars). 3 submissions from 3 submitters: Likely benign (2). 1 of the submissions does not count toward it. Last evaluated 2025-10-07.

Conditions:
CDON-related disorder. Also called: CDON-related condition.
Inborn genetic diseases. Identifiers: MedGen C0950123, MeSH D030342.
Holoprosencephaly 11 (HPE11). Identifiers: Orphanet 2162, MedGen C3280215, MONDO:0013642, OMIM 614226.

Allele frequency attached by ClinVar (database versions not stated): TOPMed 0.00014; ESP Exome Variant Server 0.00015; gnomAD 0.00016; 1000 Genomes Project 0.00080; 1000 Genomes Project 30x 0.00094.
gnomAD v4.1: 199 of 1,614,024 alleles (0.012%); highest among the groups gnomAD compares: East Asian, 0.085%; 1 homozygote.

Submissions (3):

Ambry Genetics
Classification: Likely benign for Inborn genetic diseases. Last evaluated: 2025-10-07. Review status: criteria provided, single submitter. Criteria: Ambry Variant Classification Scheme 2023. Collection method: clinical testing. Allele origin: germline.

Labcorp Genetics (formerly Invitae), Labcorp
Classification: Likely benign for Holoprosencephaly 11. Last evaluated: 2025-08-27. Review status: criteria provided, single submitter. Criteria: Invitae Variant Classification Sherloc (09022015). Collection method: clinical testing. Allele origin: germline.

PreventionGenetics, part of Exact Sciences
Classification: Likely benign for CDON-related condition. Last evaluated: 2023-05-05. Review status: no assertion criteria provided. Collection method: clinical testing. Allele origin: germline. Not counted in ClinVar's aggregate classification.
Comment: This variant is classified as likely benign based on ACMG/AMP sequence variant interpretation guidelines (Richards et al. 2015 PMID: 25741868, with internal and published modifications).